The following is an entry in ClinVar:

NM_006563.5(KLF1):c.398C>T (p.Ser133Leu)

Genes: KLF1 (KLF transcription factor 1; minus strand), LOC130063673 (ATAC-STARR-seq lymphoblastoid silent region 10180; plus strand). Cytogenetic location: 19p13.13.
Variant type: single nucleotide variant.
Coding change: c.398C>T on transcript NM_006563.5 (MANE Select); coding-DNA position 398, C replaced by T.
Protein change: p.Ser133Leu; replaces serine 133 with leucine.
Molecular consequence: missense variant.
Genome position (GRCh38, 1-based): chr19:12,885,832, G>A on the plus strand (C>T on the coding strand, the complement: KLF1 is on the minus strand). VCF-style: chr19-12885832-G-A. GRCh37 (hg19) VCF-style: chr19-12996646-G-A.
Other names: short protein forms S133L.
Identifiers: ClinVar variation 4778385 (VCV004778385.1).
Genomic context (GRCh38, chr19:12,885,832, plus strand): 5'-AGGGCTGGGCCCACGAAGGCGTCGGGAGCCCGGGCTCGCAGGGCAGGGCGCACCCAACCC[G>A]AGTGATCCTCCGAACCCAAAAGCCCAGCCACCAGCCCCGGGCCGCCAGCATATGCGCCCA-3'
Protein context (NP_006554.1, residues 123-143): VAGLLGSEDH[Ser133Leu]GWVRPALRAR

ClinVar aggregate classification (germline): Uncertain significance (1 of 4 stars; one submission).

gnomAD v4.1: 3 of 1,550,488 alleles (0.00019%); highest among the groups gnomAD compares: Non-Finnish European, 0.00026%; no homozygotes.

Submission:

Labcorp Genetics (formerly Invitae), Labcorp
Classification: Uncertain significance. Last evaluated: 2025-10-21. Review status: criteria provided, single submitter. Criteria: Invitae Variant Classification Sherloc (09022015). Collection method: clinical testing. Allele origin: germline.
Comment: This sequence change replaces serine, which is neutral and polar, with leucine, which is neutral and non-polar, at codon 133 of the KLF1 protein (p.Ser133Leu). This variant is not present in population databases (gnomAD no frequency). This variant has not been reported in the literature in individuals affected with KLF1-related conditions. Invitae Evidence Modeling of protein sequence and biophysical properties (such as structural, functional, and spatial information, amino acid conservation, physicochemical variation, residue mobility, and thermodynamic stability) indicates that this missense variant is not expected to disrupt KLF1 protein function with a negative predictive value of 80%. In summary, the available evidence is currently insufficient to determine the role of this variant in disease. Therefore, it has been classified as a Variant of Uncertain Significance.